The following is an entry in ClinVar:

ClinVar aggregate classification (germline): Uncertain significance (1 of 4 stars; one submission).

Conditions:
CHARGE syndrome (CHARGE). Also called: Hittner Hirsch Kreh syndrome; CHARGE ASSOCIATION--COLOBOMA, HEART ANOMALY, CHOANAL ATRESIA, RETARDATION, GENITAL AND EAR ANOMALIES; Coloboma, heart anomaly, choanal atresia, retardation, genital and ear anomalies; CHARGE association; Hall-Hittner syndrome. Identifiers: Orphanet 138, MedGen C0265354, MONDO:0008965.

gnomAD v4.1: 1 of 1,613,300 alleles (0.000062%); highest among the groups gnomAD compares: Non-Finnish European, 0.000085%; no homozygotes.

Submission:

Labcorp Genetics (formerly Invitae), Labcorp
Classification: Uncertain significance for CHARGE syndrome. Last evaluated: 2022-11-28. Review status: criteria provided, single submitter. Criteria: Invitae Variant Classification Sherloc (09022015). Collection method: clinical testing. Allele origin: germline.
Comment: This sequence change replaces isoleucine, which is neutral and non-polar, with valine, which is neutral and non-polar, at codon 156 of the CHD7 protein (p.Ile156Val). This variant is not present in population databases (gnomAD no frequency). This variant has not been reported in the literature in individuals affected with CHD7-related conditions. Advanced modeling of protein sequence and biophysical properties (such as structural, functional, and spatial information, amino acid conservation, physicochemical variation, residue mobility, and thermodynamic stability) performed at Invitae indicates that this missense variant is not expected to disrupt CHD7 protein function. In summary, the available evidence is currently insufficient to determine the role of this variant in disease. Therefore, it has been classified as a Variant of Uncertain Significance.

NM_017780.4(CHD7):c.466A>G (p.Ile156Val)

Gene: CHD7 (chromodomain helicase DNA binding protein 7; plus strand). Cytogenetic location: 8q12.2.
Variant type: single nucleotide variant.
Coding change: c.466A>G on transcript NM_017780.4 (MANE Select); coding-DNA position 466, A replaced by G.
Protein change: p.Ile156Val; replaces isoleucine 156 with valine.
Molecular consequence: missense variant.
Genome position (GRCh38, 1-based): chr8:60,741,898, A>G. VCF-style: chr8-60741898-A-G. GRCh37 (hg19) VCF-style: chr8-61654457-A-G.
Other names: c.466A>G, p.Ile156Val (NM_001316690.1); short protein forms I156V.
Identifiers: ClinVar variation 3002364 (VCV003002364.3), dbSNP rs2150578286, ClinGen allele CA371297477.